The following is an entry in ClinVar:

ClinVar aggregate classification (germline): Uncertain significance (1 of 4 stars; one submission).

Conditions:
Bloom syndrome (BLM). Also called: Bloom-Torre-Machacek syndrome. Identifiers: Orphanet 125, MedGen C0005859, MONDO:0008876, OMIM 210900.

gnomAD v4.1: 1 of 1,614,098 alleles (0.000062%); highest among the groups gnomAD compares: Non-Finnish European, 0.000085%; no homozygotes.

Submission:

Labcorp Genetics (formerly Invitae), Labcorp
Classification: Uncertain significance for Bloom syndrome. Last evaluated: 2019-08-05. Review status: criteria provided, single submitter. Criteria: Invitae Variant Classification Sherloc (09022015). Collection method: clinical testing. Allele origin: germline.
Comment: This variant is not present in population databases (ExAC no frequency). This sequence change replaces proline with arginine at codon 126 of the BLM protein (p.Pro126Arg). The proline residue is weakly conserved and there is a moderate physicochemical difference between proline and arginine. This variant has not been reported in the literature in individuals with BLM-related conditions. In summary, the available evidence is currently insufficient to determine the role of this variant in disease. Therefore, it has been classified as a Variant of Uncertain Significance. Algorithms developed to predict the effect of missense changes on protein structure and function (SIFT, PolyPhen-2, Align-GVGD) all suggest that this variant is likely to be tolerated, but these predictions have not been confirmed by published functional studies and their clinical significance is uncertain.

NM_000057.4(BLM):c.377C>G (p.Pro126Arg)

Gene: BLM (BLM RecQ like helicase; plus strand). Cytogenetic location: 15q26.1.
Variant type: single nucleotide variant.
Coding change: c.377C>G on transcript NM_000057.4 (MANE Select); coding-DNA position 377, C replaced by G.
Protein change: p.Pro126Arg; replaces proline 126 with arginine.
Molecular consequence: missense variant. On other transcripts: 5 prime UTR variant (1).
Genome position (GRCh38, 1-based): chr15:90,749,645, C>G. VCF-style: chr15-90749645-C-G. GRCh37 (hg19) VCF-style: chr15-91292875-C-G.
Other names: c.377C>G, p.Pro126Arg (NM_001287246.2, NM_001287247.2); c.-915C>G (NM_001287248.2); short protein forms P126R.
Identifiers: ClinVar variation 943300 (VCV000943300.10), dbSNP rs1060500650, ClinGen allele CA393840420.
Genomic context (GRCh38, chr15:90,749,645, plus strand): 5'-CATTATTGCCAGATTTCTTGCAGACTCCGAAGGAAGTTGTATGCACTACCCAAAACACAC[C>G]AACTGTAAAGAAATCCCGGGATACTGCTCTCAAGAAATTAGAATTTAGTTCTTCACCAGA-3'
Protein context (NP_000048.1, residues 116-136): KEVVCTTQNT[Pro126Arg]TVKKSRDTAL